The following is an entry in ClinVar:

ClinVar aggregate classification (germline): Pathogenic (1 of 4 stars; one submission).

Submission:

GeneDx
Classification: Pathogenic. Last evaluated: 2025-02-06. Review status: criteria provided, single submitter. Criteria: GeneDx Variant Classification Process June 2021. Collection method: clinical testing. Allele origin: germline. Affected: yes.
Comment: Identified in a patient with ichthyosis and dymorphic features, however a second variant was not identified (PMID: 30919572); Nonsense variant predicted to result in protein truncation or nonsense mediated decay in a gene for which loss of function is a known mechanism of disease; Not observed at significant frequency in large population cohorts (gnomAD); This variant is associated with the following publications: (PMID: 30919572)

NM_022726.4(ELOVL4):c.506G>A (p.Trp169Ter)

Gene: ELOVL4 (ELOVL fatty acid elongase 4; minus strand). Cytogenetic location: 6q14.1.
Variant type: single nucleotide variant.
Coding change: c.506G>A on transcript NM_022726.4 (MANE Select); coding-DNA position 506, G replaced by A.
Protein change: p.Trp169Ter; replaces tryptophan 169 with a stop codon.
Molecular consequence: nonsense.
Genome position (GRCh38, 1-based): chr6:79,921,660, C>T on the plus strand (G>A on the coding strand, the complement: ELOVL4 is on the minus strand). VCF-style: chr6-79921660-C-T. GRCh37 (hg19) VCF-style: chr6-80631377-C-T.
Other names: short protein forms W169*.
Identifiers: ClinVar variation 391976 (VCV000391976.3), dbSNP rs1057524307, ClinGen allele CA16605161.